The following is an entry in ClinVar:

ClinVar aggregate classification (germline): Benign/Likely benign. Review status: criteria provided, multiple submitters, no conflicts (2 of 4 stars). 2 submissions from 2 submitters: Benign (1); Likely benign (1). Last evaluated 2025-02-16.

Conditions:
Leigh syndrome (NULS). Also called: Leigh's necrotizing encephalopathy; Leigh's disease; Leigh's syndrome; LEIGH SYNDROME, NUCLEAR; Leigh Syndrome (mtDNA deletion); Leigh Disease. Identifiers: Orphanet 506, MedGen C2931891, MONDO:0009723, OMIM 256000.

Submissions (2):

Laboratory of Genetics, Children's Clinical University Hospital Latvia
Classification: Likely benign. Last evaluated: 2025-02-16. Review status: criteria provided, single submitter. Criteria: ACMG Guidelines, 2015. Collection method: clinical testing. Allele origin: germline. Affected: yes.

Wong Mito Lab, Molecular and Human Genetics, Baylor College of Medicine
Classification: Benign for Leigh syndrome. Last evaluated: 2019-10-17. Review status: criteria provided, single submitter. Criteria: Modified ACMG Guidelines (Unpublished). Collection method: clinical testing. Allele origin: germline.
Comment: The NC_012920.1:m.14582A>G (YP_003024037.1:p.Val31Ala) variant in MTND6 gene is interpretated to be a Benign variant based on the modified ACMG guidelines (unpublished). This variant meets the following evidence codes: BA1

NC_012920.1(MT-ND6):m.14582A>G

Gene: MT-ND6 (mitochondrially encoded NADH dehydrogenase 6; minus strand).
Variant type: single nucleotide variant.
Genome position: chrM-14582-A-G.
Identifiers: ClinVar variation 693744 (VCV000693744.2), dbSNP rs41354845, ClinGen allele CA337100106.